The following is an entry in ClinVar:

NM_000414.4(HSD17B4):c.2054delinsTAT (p.Asp685fs)

Gene: HSD17B4 (hydroxysteroid 17-beta dehydrogenase 4; plus strand). Cytogenetic location: 5q23.1.
Variant type: Indel.
Coding change: c.2054delinsTAT on transcript NM_000414.4 (MANE Select); coding-DNA position 2054, A replaced by TAT.
Protein change: p.Asp685fs; shifts the reading frame from aspartic acid 685.
Molecular consequence: frameshift variant. On other transcripts: non-coding transcript variant (2).
Genome position (GRCh38, 1-based): chr5:119,536,483, A replaced by TAT. VCF-style: chr5-119536483-A-TAT. GRCh37 (hg19) VCF-style: chr5-118872178-A-TAT.
Other names: c.1643delinsTAT, p.Asp548fs (NM_001374503.1, NM_001374501.1, NM_001374502.1); c.2129delinsTAT, p.Asp710fs (NM_001199291.3); c.2000delinsTAT, p.Asp667fs (NM_001199292.2); c.1982delinsTAT, p.Asp661fs (NM_001292027.2, NM_001374498.1); c.1634delinsTAT, p.Asp545fs (NM_001292028.2); c.2045delinsTAT, p.Asp682fs (NM_001374497.1); c.1727delinsTAT, p.Asp576fs (NM_001374499.1); c.1613delinsTAT, p.Asp538fs (NM_001374500.1); short protein forms D538fs, D545fs, D548fs, D576fs, D661fs, D667fs, D682fs, D685fs.
Identifiers: ClinVar variation 4818349 (VCV004818349.1).

ClinVar aggregate classification (germline): Likely pathogenic (1 of 4 stars; one submission).

Conditions:
Bifunctional peroxisomal enzyme deficiency (DBIF). Also called: DBP DEFICIENCY; PBFE DEFICIENCY; D-bifunctional protein deficiency. Identifiers: Orphanet 300, MedGen C0342870, MONDO:0009855, OMIM 261515. Disease mechanism: loss of function.

Submission:

Natera, Inc.
Classification: Likely pathogenic for Bifunctional peroxisomal enzyme deficiency. Last evaluated: 2025-10-07. Review status: criteria provided, single submitter. Criteria: Natera Variant Classification Schema (03/2026). Collection method: clinical testing. Allele origin: germline.
Comment: The c.2054delinsTAT variant in HSD17B4 is a frameshift variant predicted to shift the reading frame beginning at codon 685 and leads to a stop codon 31 codons downstream. This variant is expected to result in nonsense mediated decay, truncation, or a dysfunctional protein product. This variant is rare in the general population with a frequency below the threshold expected for the associated phenotype(s). Given the available evidence, this variant is classified as Likely Pathogenic.